The following is an entry in ClinVar:

NM_025136.4(OPA3):c.502C>T (p.Arg168Trp)

Genes: OPA3 (outer mitochondrial membrane lipid metabolism regulator OPA3; minus strand), OPA3-RTN2 (OPA3-RTN2 readthrough; minus strand). Cytogenetic location: 19q13.32.
Variant type: single nucleotide variant.
Coding change: c.502C>T on transcript NM_025136.4 (MANE Select); coding-DNA position 502, C replaced by T.
Protein change: p.Arg168Trp; replaces arginine 168 with tryptophan.
Molecular consequence: missense variant. On other transcripts: intron variant (1).
Genome position (GRCh38, 1-based): chr19:45,553,552, G>A on the plus strand (C>T on the coding strand, the complement: OPA3 is on the minus strand). VCF-style: chr19-45553552-G-A. GRCh37 (hg19) VCF-style: chr19-46056810-G-A.
Other names: c.143-24096C>T (NM_001017989.3); short protein forms R168W.
Identifiers: ClinVar variation 1422210 (VCV001422210.6), dbSNP rs750946088, ClinGen allele CA406369672.
Genomic context (GRCh38, chr19:45,553,552, plus strand): 5'-TCAGGTTCCATCCAGCAAGCTCCTATTTCTTGGACGCAGGCACTGCGTGGGAAGCGGACC[G>A]GCCGGGATTGCAGAGCTGGGCGCGCACCTCTTGCAGCTCTGTGCGCAGTTCCTCCAGGGC-3'
Protein context (NP_079412.1, residues 158-178): EVRAQLCNPG[Arg168Trp]SASHAVPASK

ClinVar aggregate classification (germline): Uncertain significance (1 of 4 stars; one submission).

Conditions:
Optic atrophy 3 (OPA3). Also called: Optic atrophy 3 with cataract; OPTIC ATROPHY 3, AUTOSOMAL DOMINANT; Optic atrophy, cataract, and neurologic disorder. Identifiers: Orphanet 67036, MedGen C1833809, MONDO:0008133, OMIM 165300.
3-Methylglutaconic aciduria type 3 (MGCA3). Also called: OPA3-Related 3-Methylglutaconic Aciduria; Costeff Syndrome; OPA3, AUTOSOMAL RECESSIVE; OPTIC ATROPHY 3, AUTOSOMAL RECESSIVE. Identifiers: Orphanet 67047, MedGen C0574084, MONDO:0009787, OMIM 258501.

gnomAD v4.1: 2 of 1,613,356 alleles (0.00012%); highest among the groups gnomAD compares: Non-Finnish European, 0.000085%; no homozygotes.

Submission:

Labcorp Genetics (formerly Invitae), Labcorp
Classification: Uncertain significance for 3-Methylglutaconic aciduria type 3; Optic atrophy 3. Last evaluated: 2024-01-24. Review status: criteria provided, single submitter. Criteria: Invitae Variant Classification Sherloc (09022015). Collection method: clinical testing. Allele origin: germline.
Comment: This sequence change replaces arginine, which is basic and polar, with tryptophan, which is neutral and slightly polar, at codon 168 of the OPA3 protein (p.Arg168Trp). This variant is not present in population databases (gnomAD no frequency). This variant has not been reported in the literature in individuals affected with OPA3-related conditions. ClinVar contains an entry for this variant (Variation ID: 1422210). An algorithm developed to predict the effect of missense changes on protein structure and function (PolyPhen-2) suggests that this variant is likely to be tolerated. In summary, the available evidence is currently insufficient to determine the role of this variant in disease. Therefore, it has been classified as a Variant of Uncertain Significance.